The following is an entry in ClinVar:

NM_001378120.1(MBD5):c.4397A>G (p.Asn1466Ser)

Gene: MBD5 (methyl-CpG binding domain protein 5; plus strand). Cytogenetic location: 2q23.1.
Variant type: single nucleotide variant.
Coding change: c.4397A>G on transcript NM_001378120.1 (MANE Select); coding-DNA position 4397, A replaced by G.
Protein change: p.Asn1466Ser; replaces asparagine 1466 with serine.
Molecular consequence: missense variant.
Genome position (GRCh38, 1-based): chr2:148,490,029, A>G. VCF-style: chr2-148490029-A-G. GRCh37 (hg19) VCF-style: chr2-149247598-A-G.
Other names: c.3698A>G, p.Asn1233Ser (NM_018328.5); short protein forms N1233S, N1466S.
Identifiers: ClinVar variation 846073 (VCV000846073.15), dbSNP rs1681472341, ClinGen allele CA348729172.

ClinVar aggregate classification (germline): Uncertain significance. Review status: criteria provided, multiple submitters, no conflicts (2 of 4 stars). 4 submissions from 4 submitters: Uncertain significance (4). Last evaluated 2024-09-03.

Conditions:
Inborn genetic diseases. Identifiers: MedGen C0950123, MeSH D030342.
Intellectual developmental disorder, autosomal dominant 1. Also called: Intellectual disability, autosomal dominant 1; MBD5 Haploinsufficiency. Identifiers: Orphanet 228402, MedGen C1969562, MONDO:0007974, OMIM 156200.

Allele frequency attached by ClinVar (database versions not stated): gnomAD exomes below 0.00001.
gnomAD v4.1: 3 of 1,613,962 alleles (0.00019%); highest among the groups gnomAD compares: Non-Finnish European, 0.00025%; no homozygotes.

Submissions (4):

Revvity Omics, Revvity
Classification: Uncertain significance. Last evaluated: 2024-09-03. Review status: criteria provided, single submitter. Criteria: ACMG Guidelines, 2015. Collection method: clinical testing. Allele origin: germline.

Ambry Genetics
Classification: Uncertain significance for Inborn genetic diseases. Last evaluated: 2024-05-12. Review status: criteria provided, single submitter. Criteria: Ambry Variant Classification Scheme 2023. Collection method: clinical testing. Allele origin: germline.

Centre for Mendelian Genomics, University Medical Centre Ljubljana
Classification: Uncertain significance for Intellectual developmental disorder, autosomal dominant 1. Last evaluated: 2019-10-03. Review status: criteria provided, single submitter. Criteria: ACMG Guidelines, 2015. Collection method: clinical testing. Allele origin: unknown. Affected: yes.
Comment: This variant was classified as: Uncertain significance. The available evidence on this variant's pathogenicity is insufficient or conflicting. The following ACMG criteria were applied in classifying this variant: PM2.

Labcorp Genetics (formerly Invitae), Labcorp
Classification: Uncertain significance for Intellectual developmental disorder, autosomal dominant 1. Last evaluated: 2019-02-18. Review status: criteria provided, single submitter. Criteria: Invitae Variant Classification Sherloc (09022015). Collection method: clinical testing. Allele origin: germline.
Comment: In summary, the available evidence is currently insufficient to determine the role of this variant in disease. Therefore, it has been classified as a Variant of Uncertain Significance. This variant has not been reported in the literature in individuals with MBD5-related conditions. This variant is not present in population databases (ExAC no frequency). This sequence change replaces asparagine with serine at codon 1233 of the MBD5 protein (p.Asn1233Ser). The asparagine residue is highly conserved and there is a small physicochemical difference between asparagine and serine.